The following is an entry in ClinVar:

NM_022455.5(NSD1):c.1770A>G (p.Leu590=)

Gene: NSD1 (nuclear receptor binding SET domain protein 1; plus strand). Cytogenetic location: 5q35.3.
Variant type: single nucleotide variant.
Coding change: c.1770A>G on transcript NM_022455.5 (MANE Select); coding-DNA position 1770, A replaced by G.
Protein change: p.Leu590=; no amino-acid change (leucine 590 retained).
Molecular consequence: synonymous variant.
Genome position (GRCh38, 1-based): chr5:177,210,169, A>G. VCF-style: chr5-177210169-A-G. GRCh37 (hg19) VCF-style: chr5-176637170-A-G.
Other names: c.897A>G, p.Leu299= (NM_001365684.2, NM_001409306.1, NM_001409307.1 and 3 more transcripts); c.1770A>G, p.Leu590= (NM_001409301.1, NM_001409302.1, NM_001409303.1); c.1350A>G, p.Leu450= (NM_001409304.1); c.1017A>G, p.Leu339= (NM_001409305.1).
Identifiers: ClinVar variation 96039 (VCV000096039.14), dbSNP rs398124373, ClinGen allele CA223645.

ClinVar aggregate classification (germline): Conflicting classifications of pathogenicity. Review status: criteria provided, conflicting classifications (1 of 4 stars). 3 submissions from 3 submitters: Uncertain significance (1); Likely benign (2). Last evaluated 2025-07-01.

Allele frequency attached by ClinVar (database versions not stated): gnomAD 0.00001; gnomAD exomes 0.00001.
gnomAD v4.1: 9 of 1,609,940 alleles (0.00056%); highest among the groups gnomAD compares: African/African-American, 0.004%; no homozygotes.

Submissions (3):

CeGaT Center for Human Genetics Tuebingen
Classification: Likely benign. Last evaluated: 2025-07-01. Review status: criteria provided, single submitter. Criteria: CeGaT Center For Human Genetics Tuebingen Variant Classification Criteria Version 2. Collection method: clinical testing. Allele origin: germline. Affected: yes. Observed: 1 variant allele.
Comment: NSD1: BP4, BP7

Blueprint Genetics
Classification: Likely benign. Last evaluated: 2021-01-24. Review status: criteria provided, single submitter. Criteria: ACMG Guidelines, 2015. Collection method: clinical testing. Allele origin: germline.

Eurofins Ntd Llc (ga)
Classification: Uncertain significance. Last evaluated: 2013-09-13. Review status: criteria provided, single submitter. Criteria: EGL Classification Definitions 2015. Collection method: clinical testing. Allele origin: germline. Observed: 1 variant allele, 1 heterozygote.